The following is an entry in ClinVar:

NM_018062.4(FANCL):c.319C>G (p.Pro107Ala)

Gene: FANCL (FA complementation group L; minus strand). Cytogenetic location: 2p16.1.
Variant type: single nucleotide variant.
Coding change: c.319C>G on transcript NM_018062.4 (MANE Select); coding-DNA position 319, C replaced by G.
Protein change: p.Pro107Ala; replaces proline 107 with alanine.
Molecular consequence: missense variant.
Genome position (GRCh38, 1-based): chr2:58,221,997, G>C on the plus strand (C>G on the coding strand, the complement: FANCL is on the minus strand). VCF-style: chr2-58221997-G-C. GRCh37 (hg19) VCF-style: chr2-58449132-G-C.
Other names: c.319C>G, p.Pro107Ala (NM_001114636.2, NM_001374615.1, NM_001410792.1); short protein forms P107A.
Identifiers: ClinVar variation 456244 (VCV000456244.6), dbSNP rs754028115, ClinGen allele CA347034489.
Genomic context (GRCh38, chr2:58,221,997, plus strand): 5'-CATACTTATCCCAACCAAGAGTTCCTATCTCTTCAATAAGGCTTGAGTAGAACTGGGGAG[G>C]AGGAGGTAGTGCATACAGCTCTTGTCTATTCTTTAAGGCAACTTCCTGTTTAAAAGAAGA-3'
Protein context (NP_060532.2, residues 97-117): NRQELYALPP[Pro107Ala]PQFYSSLIEE

ClinVar aggregate classification (germline): Uncertain significance (1 of 4 stars; one submission).

Conditions:
Fanconi anemia (FA). Also called: Fanconi's anemia. Identifiers: Orphanet 84, MedGen C0015625, MeSH D005199, MONDO:0019391.

Submission:

Labcorp Genetics (formerly Invitae), Labcorp
Classification: Uncertain significance for Fanconi anemia. Last evaluated: 2021-08-26. Review status: criteria provided, single submitter. Criteria: Invitae Variant Classification Sherloc (09022015). Collection method: clinical testing. Allele origin: germline.
Comment: This sequence change replaces proline with alanine at codon 107 of the FANCL protein (p.Pro107Ala). The proline residue is moderately conserved and there is a small physicochemical difference between proline and alanine. This variant is not present in population databases (ExAC no frequency). This variant has not been reported in the literature in individuals affected with FANCL-related conditions. Algorithms developed to predict the effect of missense changes on protein structure and function (SIFT, PolyPhen-2, Align-GVGD) all suggest that this variant is likely to be tolerated. In summary, the available evidence is currently insufficient to determine the role of this variant in disease. Therefore, it has been classified as a Variant of Uncertain Significance.